The following is an entry in ClinVar:

NM_001805.4(CEBPE):c.256C>T (p.Arg86Trp)

Gene: CEBPE (CCAAT enhancer binding protein epsilon; minus strand). Cytogenetic location: 14q11.2.
Variant type: single nucleotide variant.
Coding change: c.256C>T on transcript NM_001805.4 (MANE Select); coding-DNA position 256, C replaced by T.
Protein change: p.Arg86Trp; replaces arginine 86 with tryptophan.
Molecular consequence: missense variant.
Genome position (GRCh38, 1-based): chr14:23,118,836, G>A on the plus strand (C>T on the coding strand, the complement: CEBPE is on the minus strand). VCF-style: chr14-23118836-G-A. GRCh37 (hg19) VCF-style: chr14-23588045-G-A.
Other names: short protein forms R86W.
Identifiers: ClinVar variation 1518192 (VCV001518192.8), dbSNP rs773876082, ClinGen allele CA257745193.

ClinVar aggregate classification (germline): Uncertain significance (1 of 4 stars; one submission).

Conditions:
Specific granule deficiency. Identifiers: Orphanet 169142, MedGen C0398593, MONDO:0009506.

Allele frequency attached by ClinVar (database versions not stated): gnomAD 0.00001; gnomAD exomes 0.00001; TOPMed 0.00001.

Submission:

Labcorp Genetics (formerly Invitae), Labcorp
Classification: Uncertain significance for Specific granule deficiency. Last evaluated: 2023-11-28. Review status: criteria provided, single submitter. Criteria: Invitae Variant Classification Sherloc (09022015). Collection method: clinical testing. Allele origin: germline.
Comment: This sequence change replaces arginine, which is basic and polar, with tryptophan, which is neutral and slightly polar, at codon 86 of the CEBPE protein (p.Arg86Trp). This variant is not present in population databases (gnomAD no frequency). This variant has not been reported in the literature in individuals affected with CEBPE-related conditions. ClinVar contains an entry for this variant (Variation ID: 1518192). An algorithm developed to predict the effect of missense changes on protein structure and function (PolyPhen-2) suggests that this variant is likely to be disruptive. In summary, the available evidence is currently insufficient to determine the role of this variant in disease. Therefore, it has been classified as a Variant of Uncertain Significance.